The following is an entry in ClinVar:

ClinVar aggregate classification (germline): Uncertain significance (1 of 4 stars; one submission).

Conditions:
Hereditary cancer-predisposing syndrome. Also called: Hereditary neoplastic syndrome; Neoplastic Syndromes, Hereditary; Tumor predisposition; Hereditary Cancer Syndrome. Identifiers: Orphanet 140162, MedGen C0027672, MeSH D009386, MONDO:0015356.

Submission:

Ambry Genetics
Classification: Uncertain significance for Hereditary cancer-predisposing syndrome. Last evaluated: 2025-08-27. Review status: criteria provided, single submitter. Criteria: Ambry Variant Classification Scheme 2023. Collection method: clinical testing. Allele origin: germline.
Comment: The p.T288R variant (also known as c.863C>G), located in coding exon 10 of the MUTYH gene, results from a C to G substitution at nucleotide position 863. The threonine at codon 288 is replaced by arginine, an amino acid with similar properties. This amino acid position is conserved. In addition, the in silico prediction for this alteration is inconclusive. Based on the available evidence, the clinical significance of this variant remains unclear.

NM_001048174.2(MUTYH):c.779C>G (p.Thr260Arg)

Gene: MUTYH (mutY DNA glycosylase; minus strand). Cytogenetic location: 1p34.1.
Variant type: single nucleotide variant.
Coding change: c.779C>G on transcript NM_001048174.2 (MANE Select); coding-DNA position 779, C replaced by G.
Protein change: p.Thr260Arg; replaces threonine 260 with arginine.
Molecular consequence: missense variant. On other transcripts: non-coding transcript variant (7).
Genome position (GRCh38, 1-based): chr1:45,332,236, G>C on the plus strand (C>G on the coding strand, the complement: MUTYH is on the minus strand). VCF-style: chr1-45332236-G-C. GRCh37 (hg19) VCF-style: chr1-45797908-G-C.
Other names: c.824C>G, p.Thr275Arg (NM_001293190.2); c.812C>G, p.Thr271Arg (NM_001293191.2, NM_001407069.1, NM_001407077.1); c.503C>G, p.Thr168Arg (NM_001293192.2, NM_001293196.2, NM_001407091.1); c.779C>G, p.Thr260Arg (NM_001293195.2, NM_001407070.1, NM_001407088.1 and 6 more transcripts); c.434C>G, p.Thr145Arg (NM_001350650.2, NM_001350651.2, NM_001407082.1); c.821C>G, p.Thr274Arg (NM_001407083.1, NM_001407085.1); c.782C>G, p.Thr261Arg (NM_001407086.1, NM_001048172.2, NM_001407071.1 and 1 more transcripts); c.800C>G, p.Thr267Arg (NM_001407087.1); and 5 more; short protein forms T168R, T232R, T246R, T247R, T261R, T271R, T274R, T275R.
Identifiers: ClinVar variation 4113868 (VCV004113868.1).
Genomic context (GRCh38, chr1:45,332,236, plus strand): 5'-GCCCGGCACAGGCTCTCCACAGGGCACTGGCTGCACAGTGGGCGCTGTGGGGTACACACT[G>C]TGGCCCCTAGCTCCATGGCTGCTTGGTTGAAATCTCCTGGCCGGGCTGGGTCCACCAGCT-3'
Protein context (NP_001041639.1, residues 250-270): FNQAAMELGA[Thr260Arg]VCTPQRPLCS